The following is an entry in ClinVar:

NM_001182.5(ALDH7A1):c.696-1G>T

Gene: ALDH7A1 (aldehyde dehydrogenase 7 family member A1; minus strand). Cytogenetic location: 5q23.2.
Variant type: single nucleotide variant.
Coding change: c.696-1G>T on transcript NM_001182.5 (MANE Select); the canonical splice acceptor site of the intron before coding-DNA position 696, G replaced by T.
Molecular consequence: splice acceptor variant.
Genome position (GRCh38, 1-based): chr5:126,570,860, C>A on the plus strand (G>T on the coding strand, the complement: ALDH7A1 is on the minus strand). VCF-style: chr5-126570860-C-A. GRCh37 (hg19) VCF-style: chr5-125906552-C-A.
Other names: c.696-1G>T (NM_001202404.2); c.612-1G>T (NM_001201377.2).
Identifiers: ClinVar variation 2982253 (VCV002982253.4), dbSNP rs780304828, ClinGen allele CA3389674.

ClinVar aggregate classification (germline): Pathogenic (1 of 4 stars; one submission).

Conditions:
Pyridoxine-dependent epilepsy (EPEO4). Also called: PYRIDOXINE DEPENDENCY WITH SEIZURES; Pyridoxine-Dependent Seizures; EPILEPSY, EARLY-ONSET, 4, VITAMIN B6-DEPENDENT; Pyridoxine-Dependent Epilepsy - ALDH7A1. Identifiers: Orphanet 3006, MedGen C1849508, MONDO:0009945, OMIM 266100. Disease mechanism: loss of function.

Allele frequency attached by ClinVar (database versions not stated): ExAC 0.00002; gnomAD exomes below 0.00001.
gnomAD v4.1: 1 of 1,613,698 alleles (0.000062%); highest among the groups gnomAD compares: Non-Finnish European, 0.000085%; no homozygotes.

Submissions (2):

Labcorp Genetics (formerly Invitae), Labcorp
Classification: Pathogenic for Pyridoxine-dependent epilepsy. Last evaluated: 2023-04-09. Review status: criteria provided, single submitter. Criteria: Invitae Variant Classification Sherloc (09022015). Collection method: clinical testing. Allele origin: germline.
Comment: For these reasons, this variant has been classified as Pathogenic. Algorithms developed to predict the effect of sequence changes on RNA splicing suggest that this variant may disrupt the consensus splice site. Disruption of this splice site has been observed in individual(s) with clinical features of pyridoxine-dependent epilepsy (PMID: 17068770, 30043187). This variant is present in population databases (rs780304828, gnomAD 0.002%). This sequence change affects an acceptor splice site in intron 7 of the ALDH7A1 gene. It is expected to disrupt RNA splicing. Variants that disrupt the donor or acceptor splice site typically lead to a loss of protein function (PMID: 16199547), and loss-of-function variants in ALDH7A1 are known to be pathogenic (PMID: 16491085, 20554659).

Dr. Peter K. Rogan Lab, Western University
No classification provided (evidence only). Condition: Thyroid cancer, nonmedullary, 1. Review status: no classification provided. Collection method: in vitro. Allele origin: not applicable. Functional consequence: retained intron. Not counted in ClinVar's aggregate classification.

Literature cited by the submitters: PubMed 17068770 (cited by Labcorp Genetics (formerly Invitae), Labcorp); PubMed 30043187 (cited by Labcorp Genetics (formerly Invitae), Labcorp); PubMed 16199547 (cited by Labcorp Genetics (formerly Invitae), Labcorp); PubMed 16491085 (cited by Labcorp Genetics (formerly Invitae), Labcorp); PubMed 20554659 (cited by Labcorp Genetics (formerly Invitae), Labcorp).